The following is an entry in ClinVar:

NM_000503.6(EYA1):c.1673T>C (p.Val558Ala)

Gene: EYA1 (EYA transcriptional coactivator and phosphatase 1; minus strand). Cytogenetic location: 8q13.3.
Variant type: single nucleotide variant.
Coding change: c.1673T>C on transcript NM_000503.6 (MANE Select); coding-DNA position 1673, T replaced by C.
Protein change: p.Val558Ala; replaces valine 558 with alanine.
Molecular consequence: missense variant.
Genome position (GRCh38, 1-based): chr8:71,211,181, A>G on the plus strand (T>C on the coding strand, the complement: EYA1 is on the minus strand). VCF-style: chr8-71211181-A-G. GRCh37 (hg19) VCF-style: chr8-72123416-A-G.
Other names: c.1760T>C, p.Val587Ala (NM_001370333.1); c.1673T>C, p.Val558Ala (NM_001370334.1, NM_001370335.1, NM_172058.4); c.1652T>C, p.Val551Ala (NM_001370336.1); c.1574T>C, p.Val525Ala (NM_001411797.1, NM_172060.4); c.1655T>C, p.Val552Ala (NM_172059.5, NM_001288574.2); c.1307T>C, p.Val436Ala (NM_001288575.2); short protein forms V525A, V551A, V436A, V552A, V558A, V587A.
Identifiers: ClinVar variation 4737468 (VCV004737468.1).
Genomic context (GRCh38, chr8:71,211,181, plus strand): 5'-AAATGAGACAAGATGCACCATCTAGGAATGCTCACCTTTTTTGCTCCTTGTTCTTCTTCT[A>G]CACCATCTCCTATAACAACATACACCACTTTTCTTCCAAACCTTTGAATTATTCTCTCAA-3'
Protein context (NP_000494.2, residues 548-568): KVVYVVIGDG[Val558Ala]EEEQGAKKHA

ClinVar aggregate classification (germline): Uncertain significance (1 of 4 stars; one submission).

Conditions:
Melnick-Fraser syndrome (BOR). Also called: Branchiootorenal syndrome; Branchio-oto-renal syndrome; Branchiootorenal Syndrome (BORS). Identifiers: Orphanet 107, MedGen C0265234, MONDO:0007029.

gnomAD v4.1: 14 of 1,612,544 alleles (0.00087%); highest among the groups gnomAD compares: Middle Eastern, 0.033%; no homozygotes.

Submission:

Labcorp Genetics (formerly Invitae), Labcorp
Classification: Uncertain significance for Melnick-Fraser syndrome. Last evaluated: 2025-09-29. Review status: criteria provided, single submitter. Criteria: Invitae Variant Classification Sherloc (09022015). Collection method: clinical testing. Allele origin: germline.
Comment: This sequence change replaces valine, which is neutral and non-polar, with alanine, which is neutral and non-polar, at codon 558 of the EYA1 protein (p.Val558Ala). This variant is present in population databases (rs376013085, gnomAD 0.003%). This variant has not been reported in the literature in individuals affected with EYA1-related conditions. Invitae Evidence Modeling of protein sequence and biophysical properties (such as structural, functional, and spatial information, amino acid conservation, physicochemical variation, residue mobility, and thermodynamic stability) indicates that this missense variant is not expected to disrupt EYA1 protein function with a negative predictive value of 80%. In summary, the available evidence is currently insufficient to determine the role of this variant in disease. Therefore, it has been classified as a Variant of Uncertain Significance.